The following is an entry in ClinVar:

ClinVar aggregate classification (germline): Likely benign (1 of 4 stars; one submission).

Submission:

Women's Health and Genetics/Laboratory Corporation of America, LabCorp
Classification: Likely benign. Last evaluated: 2024-05-29. Review status: criteria provided, single submitter. Criteria: LabCorp Variant Classification Summary - May 2015. Collection method: clinical testing. Allele origin: germline.
Comment: Variant summary: The variant involves the duplication of exons 15-47 in the KIF1A gene. A presumed nomenclature of c.(1314+1_1315-1)_(*3598_?)dup has been designated for the purposes of this classification. The exact breakpoint at the 3' end of this variant is unknown, therefore this duplication may extend downstream of the annotated region of the gene. As it duplicates the termination codon, its effect on the encoded protein is unknown. A variant involving the duplication of exons 15-47 together with a large (~96 kbp) DNA segment extending downstream of the gene, was found at a frequency of 0.0015 in 124408 control chromosomes in the gnomAD database structural variants v4.1 dataset, including 11 homozygotes. In addition, duplication of exons 15-47 was also reported in 1691/464226 alleles in the gnomAD database CNVs v4.1 dataset (site frequency: 0.003643; zygosity not specified in this dataset). Furthermore, several overlapping duplications are also reported, with multiple homozygotes in gnomAD SVs v4.1. A similar large duplication variant (i.e. duplication of exons 15-47, extending further downstream of the gene) has been reported in heterozygous state in a family with autistic children, however it was not considered 'causal' by the authors (Lintas_2017). These report(s) do not provide unequivocal conclusions about association of the variant with Hereditary Sensory And Autonomic Neuropathy Type IIC. To our knowledge, no experimental evidence demonstrating an impact on protein function has been reported. The following publication have been ascertained in the context of this evaluation (PMID: 28304131). No submitters have cited clinical-significance assessments for this variant to ClinVar. Based on the evidence outlined above, the variant was classified as likely benign.

Literature cited by the submitters: PubMed 28304131.

NC_000002.11:g.(?_241653183)_(241709124_241710387)dup

Gene: KIF1A (kinesin family member 1A; minus strand). Cytogenetic location: 2q37.3.
Variant type: Duplication.
Identifiers: ClinVar variation 3336184 (VCV003336184.1).